The following is an entry in ClinVar:

NM_000135.4(FANCA):c.1274A>G (p.Asp425Gly)

Gene: FANCA (FA complementation group A; minus strand). Cytogenetic location: 16q24.3.
Variant type: single nucleotide variant.
Coding change: c.1274A>G on transcript NM_000135.4 (MANE Select); coding-DNA position 1274, A replaced by G.
Protein change: p.Asp425Gly; replaces aspartic acid 425 with glycine.
Molecular consequence: missense variant.
Genome position (GRCh38, 1-based): chr16:89,791,488, T>C on the plus strand (A>G on the coding strand, the complement: FANCA is on the minus strand). VCF-style: chr16-89791488-T-C. GRCh37 (hg19) VCF-style: chr16-89857896-T-C.
Other names: c.1274A>G, p.Asp425Gly (NM_001286167.3); short protein forms D425G.
Identifiers: ClinVar variation 4254245 (VCV004254245.1).

ClinVar aggregate classification (germline): Uncertain significance (1 of 4 stars; one submission).

Conditions:
Inborn genetic diseases. Identifiers: MedGen C0950123, MeSH D030342.

Submission:

Ambry Genetics
Classification: Uncertain significance for Inborn genetic diseases. Last evaluated: 2025-08-02. Review status: criteria provided, single submitter. Criteria: Ambry Variant Classification Scheme 2023. Collection method: clinical testing. Allele origin: germline.
Comment: The p.D425G variant (also known as c.1274A>G), located in coding exon 14 of the FANCA gene, results from an A to G substitution at nucleotide position 1274. The aspartic acid at codon 425 is replaced by glycine, an amino acid with similar properties. This amino acid position is conserved. In addition, the in silico prediction for this alteration is inconclusive. Based on the available evidence, the clinical significance of this variant remains unclear.